The following is an entry in ClinVar:

ClinVar aggregate classification (germline): Uncertain significance. Review status: criteria provided, multiple submitters, no conflicts (2 of 4 stars). 2 submissions from 2 submitters: Uncertain significance (2). Last evaluated 2024-04-08.

Conditions:
Fanconi anemia complementation group L (FANCL). Also called: FANCL-Related Fanconi Anemia. Identifiers: Orphanet 84, MedGen C3469528, MONDO:0013566, OMIM 614083.
Fanconi anemia (FA). Also called: Fanconi's anemia. Identifiers: Orphanet 84, MedGen C0015625, MeSH D005199, MONDO:0019391.

Allele frequency attached by ClinVar (database versions not stated): gnomAD exomes below 0.00001.

Submissions (2):

Fulgent Genetics
Classification: Uncertain significance for Fanconi anemia complementation group L. Last evaluated: 2024-04-08. Review status: criteria provided, single submitter. Criteria: ACMG Guidelines, 2015. Collection method: clinical testing. Allele origin: germline.

Labcorp Genetics (formerly Invitae), Labcorp
Classification: Uncertain significance for Fanconi anemia. Last evaluated: 2024-01-09. Review status: criteria provided, single submitter. Criteria: Invitae Variant Classification Sherloc (09022015). Collection method: clinical testing. Allele origin: germline.
Comment: This sequence change replaces serine, which is neutral and polar, with cysteine, which is neutral and slightly polar, at codon 301 of the FANCL protein (p.Ser301Cys). This variant is present in population databases (no rsID available, gnomAD 0.006%). This variant has not been reported in the literature in individuals affected with FANCL-related conditions. ClinVar contains an entry for this variant (Variation ID: 1047666). An algorithm developed to predict the effect of missense changes on protein structure and function (PolyPhen-2) suggests that this variant is likely to be disruptive. In summary, the available evidence is currently insufficient to determine the role of this variant in disease. Therefore, it has been classified as a Variant of Uncertain Significance.

NM_018062.4(FANCL):c.902C>G (p.Ser301Cys)

Gene: FANCL (FA complementation group L; minus strand). Cytogenetic location: 2p16.1.
Variant type: single nucleotide variant.
Coding change: c.902C>G on transcript NM_018062.4 (MANE Select); coding-DNA position 902, C replaced by G.
Protein change: p.Ser301Cys; replaces serine 301 with cysteine.
Molecular consequence: missense variant.
Genome position (GRCh38, 1-based): chr2:58,162,867, G>C on the plus strand (C>G on the coding strand, the complement: FANCL is on the minus strand). VCF-style: chr2-58162867-G-C. GRCh37 (hg19) VCF-style: chr2-58390002-G-C.
Other names: c.917C>G, p.Ser306Cys (NM_001114636.2); c.947C>G, p.Ser316Cys (NM_001374615.1); c.962C>G, p.Ser321Cys (NM_001410792.1); short protein forms S316C, S301C, S306C, S321C.
Identifiers: ClinVar variation 1047666 (VCV001047666.10), dbSNP rs1405173705, ClinGen allele CA346934845.